The following is an entry in ClinVar:

NM_000496.3(CRYBB2):c.431T>A (p.Val144Glu)

Gene: CRYBB2 (crystallin beta B2; plus strand). Cytogenetic location: 22q11.23.
Variant type: single nucleotide variant.
Coding change: c.431T>A on transcript NM_000496.3 (MANE Select); coding-DNA position 431, T replaced by A.
Protein change: p.Val144Glu; replaces valine 144 with glutamic acid.
Molecular consequence: missense variant.
Genome position (GRCh38, 1-based): chr22:25,229,560, T>A. VCF-style: chr22-25229560-T-A. GRCh37 (hg19) VCF-style: chr22-25625527-T-A.
Other names: short protein forms V144E.
Identifiers: ClinVar variation 1366735 (VCV001366735.8), dbSNP rs2146093751, ClinGen allele CA410987961.
Genomic context (GRCh38, chr22:25,229,560, plus strand): 5'-TCATAGATGACGATGTACCCAGCTTCCACGCCCATGGCTACCAGGAGAAGGTGTCATCTG[T>A]GCGGGTGCAGAGTGGCACGTAAGTGCGTTGCCAGCCCTGGCTCACCCTGCCCCAGGAACT-3'
Protein context (NP_000487.1, residues 134-154): AHGYQEKVSS[Val144Glu]RVQSGTWVGY

ClinVar aggregate classification (germline): Uncertain significance (1 of 4 stars; one submission).

Conditions:
Cataract 3 multiple types. Also called: CATARACT 3, MULTIPLE TYPES, WITH OR WITHOUT MICROCORNEA. Identifiers: Orphanet 1377, MedGen C1832175, MONDO:0011104, OMIM 601547.

Submission:

Labcorp Genetics (formerly Invitae), Labcorp
Classification: Uncertain significance for Cataract 3 multiple types. Last evaluated: 2021-07-11. Review status: criteria provided, single submitter. Criteria: Invitae Variant Classification Sherloc (09022015). Collection method: clinical testing. Allele origin: germline.
Comment: Experimental studies have shown that this variant affects CRYBB2 protein function (PMID: 16319073). In summary, the available evidence is currently insufficient to determine the role of this variant in disease. Therefore, it has been classified as a Variant of Uncertain Significance. Algorithms developed to predict the effect of missense changes on protein structure and function (SIFT, PolyPhen-2, Align-GVGD) all suggest that this variant is likely to be disruptive. This variant has been observed in individual(s) with congenital cataract (Invitae). This variant is not present in population databases (ExAC no frequency). This sequence change replaces valine with glutamic acid at codon 144 of the CRYBB2 protein (p.Val144Glu). The valine residue is highly conserved and there is a moderate physicochemical difference between valine and glutamic acid.

Literature cited by the submitters: PubMed 16319073.